The following is an entry in ClinVar:

NM_000237.3(LPL):c.*827A>T

Gene: LPL (lipoprotein lipase; plus strand). Cytogenetic location: 8p21.3.
Variant type: single nucleotide variant.
Coding change: c.*827A>T on transcript NM_000237.3 (MANE Select); 827 bases downstream of the stop codon, A replaced by T.
Molecular consequence: 3 prime UTR variant.
Genome position (GRCh38, 1-based): chr8:19,966,137, A>T. VCF-style: chr8-19966137-A-T. GRCh37 (hg19) VCF-style: chr8-19823648-A-T.
Identifiers: ClinVar variation 362430 (VCV000362430.9), dbSNP rs3208305, ClinGen allele CA10627386.
Genomic context (GRCh38, chr8:19,966,137, plus strand): 5'-AAAATGAGCCTGTAATCCTCAGCTGACACATAATTTGAATGGTGCAGAAAAAAAAAAAGA[A>T]ACCGTAATTTTATTATTAGATTCTCCAAATGATTTTCATCAATTTAAAATCATTCAATAT-3'

ClinVar aggregate classification (germline): Benign. Review status: criteria provided, multiple submitters, no conflicts (2 of 4 stars). 3 submissions from 3 submitters: Benign (3). Last evaluated 2019-04-14.

Conditions:
Hyperlipoproteinemia, type I. Also called: Lipoprotein Lipase Deficiency; Lipase D deficiency; Familial hyperlipo-proteinemia type 1; Hyperlipemia essential familial; Familial Lipoprotein Lipase Deficiency; Hyperlipoproteinemia type 1. Identifiers: Orphanet 309015, Orphanet 444490, MedGen C0023817, MONDO:0009387, OMIM 238600. Disease mechanism: loss of function.

Allele frequency attached by ClinVar (database versions not stated): 1000 Genomes Project 0.33746; gnomAD 0.36238 and 0.35456; 1000 Genomes Project 30x 0.34838; TOPMed 0.36512.

Submissions (3):

GeneDx
Classification: Benign. Last evaluated: 2019-04-14. Review status: criteria provided, single submitter. Criteria: GeneDx Variant Classification Process June 2021. Collection method: clinical testing. Allele origin: germline. Affected: yes.

Illumina Laboratory Services, Illumina
Classification: Benign for Hyperlipoproteinemia, type I. Last evaluated: 2018-01-13. Review status: criteria provided, single submitter. Criteria: ICSL Variant Classification Criteria 13 December 2019. Collection method: clinical testing. Allele origin: germline.
Comment: This variant was observed in the ICSL laboratory as part of a predisposition screen in an ostensibly healthy population. It had not been previously curated by ICSL or reported in the Human Gene Mutation Database (HGMD: prior to June 1st, 2018), and was therefore a candidate for classification through an automated scoring system. Utilizing variant allele frequency, disease prevalence and penetrance estimates, and inheritance mode, an automated score was calculated to assess if this variant is too frequent to cause the disease. Based on the score and internal cut-off values, a variant classified as benign is not then subjected to further curation. The score for this variant resulted in a classification of benign for this disease.

Breakthrough Genomics
Classification: Benign. Review status: criteria provided, single submitter. Criteria: ACMG Guidelines, 2015. Collection method: not provided. Allele origin: germline. Inheritance: Autosomal recessive inheritance. Affected: yes.